The following is an entry in ClinVar:

NM_021815.5(SLC5A7):c.652A>G (p.Thr218Ala)

Gene: SLC5A7 (solute carrier family 5 member 7; plus strand). Cytogenetic location: 2q12.3.
Variant type: single nucleotide variant.
Coding change: c.652A>G on transcript NM_021815.5 (MANE Select); coding-DNA position 652, A replaced by G.
Protein change: p.Thr218Ala; replaces threonine 218 with alanine.
Molecular consequence: missense variant. On other transcripts: 5 prime UTR variant (1).
Genome position (GRCh38, 1-based): chr2:108,001,951, A>G. VCF-style: chr2-108001951-A-G. GRCh37 (hg19) VCF-style: chr2-108618407-A-G.
Other names: c.652A>G, p.Thr218Ala (NM_001305005.3); c.337A>G, p.Thr113Ala (NM_001305006.3); c.-90A>G (NM_001305007.3); short protein forms T113A, T218A.
Identifiers: ClinVar variation 3756897 (VCV003756897.2).

ClinVar aggregate classification (germline): Uncertain significance (1 of 4 stars; one submission).

Conditions:
Congenital myasthenic syndrome 20. Also called: Myasthenic syndrome, congenital, 20, presynaptic. Identifiers: MedGen C4310694, MONDO:0014939, OMIM 617143.
Neuronopathy, distal hereditary motor, type 7A. Also called: Neuronopathy, distal hereditary motor, type viia; NEURONOPATHY, DISTAL HEREDITARY MOTOR, HARDING TYPE VIIA; NEUROPATHY, DISTAL HEREDITARY MOTOR, HARDING TYPE VIIA; Neuronopathy, distal hereditary motor, autosomal dominant 7; HARPER-YOUNG MYOPATHY; HMN VIIA. Identifiers: Orphanet 139589, MedGen C1834703, MONDO:0008024, OMIM 158580.

Submission:

Labcorp Genetics (formerly Invitae), Labcorp
Classification: Uncertain significance for Neuronopathy, distal hereditary motor, type 7A; Congenital myasthenic syndrome 20. Last evaluated: 2024-06-20. Review status: criteria provided, single submitter. Criteria: Invitae Variant Classification Sherloc (09022015). Collection method: clinical testing. Allele origin: germline.
Comment: This sequence change replaces threonine, which is neutral and polar, with alanine, which is neutral and non-polar, at codon 218 of the SLC5A7 protein (p.Thr218Ala). This variant is not present in population databases (gnomAD no frequency). This variant has not been reported in the literature in individuals affected with SLC5A7-related conditions. Advanced modeling of protein sequence and biophysical properties (such as structural, functional, and spatial information, amino acid conservation, physicochemical variation, residue mobility, and thermodynamic stability) performed at Invitae indicates that this missense variant is not expected to disrupt SLC5A7 protein function with a negative predictive value of 80%. In summary, the available evidence is currently insufficient to determine the role of this variant in disease. Therefore, it has been classified as a Variant of Uncertain Significance.